The following is an entry in ClinVar:

NM_001605.3(AARS1):c.701C>G (p.Pro234Arg)

Gene: AARS1 (alanyl-tRNA synthetase 1; minus strand). Cytogenetic location: 16q22.1.
Variant type: single nucleotide variant.
Coding change: c.701C>G on transcript NM_001605.3 (MANE Select); coding-DNA position 701, C replaced by G.
Protein change: p.Pro234Arg; replaces proline 234 with arginine.
Molecular consequence: missense variant.
Genome position (GRCh38, 1-based): chr16:70,270,311, G>C on the plus strand (C>G on the coding strand, the complement: AARS1 is on the minus strand). VCF-style: chr16-70270311-G-C. GRCh37 (hg19) VCF-style: chr16-70304214-G-C.
Other names: short protein forms P234R.
Identifiers: ClinVar variation 1682290 (VCV001682290.8), dbSNP rs1960368917, ClinGen allele CA396565623.

ClinVar aggregate classification (germline): Uncertain significance (1 of 4 stars; one submission).

Conditions:
Charcot-Marie-Tooth disease type 2. Also called: Charcot-Marie-Tooth type 2. Identifiers: Orphanet 64746, MedGen C0270914, MONDO:0018993.

Submission:

Labcorp Genetics (formerly Invitae), Labcorp
Classification: Uncertain significance for Charcot-Marie-Tooth disease type 2. Last evaluated: 2022-02-05. Review status: criteria provided, single submitter. Criteria: Invitae Variant Classification Sherloc (09022015). Collection method: clinical testing. Allele origin: germline.
Comment: In summary, the available evidence is currently insufficient to determine the role of this variant in disease. Therefore, it has been classified as a Variant of Uncertain Significance. Algorithms developed to predict the effect of missense changes on protein structure and function are either unavailable or do not agree on the potential impact of this missense change (SIFT: "Deleterious"; PolyPhen-2: "Probably Damaging"; Align-GVGD: "Class C0"). This variant has not been reported in the literature in individuals affected with AARS-related conditions. This variant is not present in population databases (gnomAD no frequency). This sequence change replaces proline, which is neutral and non-polar, with arginine, which is basic and polar, at codon 234 of the AARS protein (p.Pro234Arg).